The following is an entry in ClinVar:

NM_001394062.1(MACF1):c.3437T>C (p.Val1146Ala)

Gene: MACF1 (microtubule actin crosslinking factor 1; plus strand). Cytogenetic location: 1p34.3.
Variant type: single nucleotide variant.
Coding change: c.3437T>C on transcript NM_001394062.1 (MANE Select); coding-DNA position 3437, T replaced by C.
Protein change: p.Val1146Ala; replaces valine 1146 with alanine.
Molecular consequence: missense variant.
Genome position (GRCh38, 1-based): chr1:39,315,679, T>C. VCF-style: chr1-39315679-T-C. GRCh37 (hg19) VCF-style: chr1-39781351-T-C.
Other names: c.3452T>C, p.Val1151Ala (NM_012090.5); c.3452T>C (NM_012090.4); short protein forms V1146A, V1151A.
Identifiers: ClinVar variation 2420225 (VCV002420225.6), dbSNP rs758180621, ClinGen allele CA779968.

ClinVar aggregate classification (germline): Conflicting classifications of pathogenicity. Review status: criteria provided, conflicting classifications (1 of 4 stars). 2 submissions from 2 submitters: Uncertain significance (1); Likely benign (1). Last evaluated 2024-09-11.

Conditions:
Inborn genetic diseases. Identifiers: MedGen C0950123, MeSH D030342.

Allele frequency attached by ClinVar (database versions not stated): ExAC 0.00001; TOPMed 0.00002; gnomAD 0.00003; gnomAD exomes 0.00003.
gnomAD v4.1: 57 of 1,613,758 alleles (0.0035%); highest among the groups gnomAD compares: Non-Finnish European, 0.0044%; no homozygotes.

Submissions (2):

Ambry Genetics
Classification: Likely benign for Inborn genetic diseases. Last evaluated: 2024-09-11. Review status: criteria provided, single submitter. Criteria: Ambry Variant Classification Scheme 2023. Collection method: clinical testing. Allele origin: germline.

Labcorp Genetics (formerly Invitae), Labcorp
Classification: Uncertain significance. Last evaluated: 2022-03-10. Review status: criteria provided, single submitter. Criteria: Invitae Variant Classification Sherloc (09022015). Collection method: clinical testing. Allele origin: germline.
Comment: In summary, the available evidence is currently insufficient to determine the role of this variant in disease. Therefore, it has been classified as a Variant of Uncertain Significance. Algorithms developed to predict the effect of missense changes on protein structure and function are either unavailable or do not agree on the potential impact of this missense change (SIFT: "Deleterious"; PolyPhen-2: "Benign"; Align-GVGD: "Class C0"). This variant has not been reported in the literature in individuals affected with MACF1-related conditions. This variant is present in population databases (rs758180621, gnomAD 0.002%). This sequence change replaces valine, which is neutral and non-polar, with alanine, which is neutral and non-polar, at codon 1151 of the MACF1 protein (p.Val1151Ala).